The following is an entry in ClinVar:

NM_030773.4(TUBB1):c.763G>A (p.Val255Met)

Gene: TUBB1 (tubulin beta 1 class VI; plus strand). Cytogenetic location: 20q13.32.
Variant type: single nucleotide variant.
Coding change: c.763G>A on transcript NM_030773.4 (MANE Select); coding-DNA position 763, G replaced by A.
Protein change: p.Val255Met; replaces valine 255 with methionine.
Molecular consequence: missense variant.
Genome position (GRCh38, 1-based): chr20:59,024,190, G>A. VCF-style: chr20-59024190-G-A. GRCh37 (hg19) VCF-style: chr20-57599245-G-A.
Other names: short protein forms V255M.
Identifiers: ClinVar variation 2874847 (VCV002874847.5), dbSNP rs1236870780, ClinGen allele CA409467604.

ClinVar aggregate classification (germline): Uncertain significance. Review status: criteria provided, multiple submitters, no conflicts (2 of 4 stars). 2 submissions from 2 submitters: Uncertain significance (2). Last evaluated 2026-06-23.

Conditions:
TUBB1-related disorder. Also called: TUBB1-related condition.

Allele frequency attached by ClinVar (database versions not stated): gnomAD 0.00001; gnomAD exomes 0.00001; TOPMed 0.00001.
gnomAD v4.1: 15 of 1,614,084 alleles (0.00093%); highest among the groups gnomAD compares: Admixed American, 0.0017%; no homozygotes.

Submissions (2):

PreventionGenetics, part of Exact Sciences
Classification: Uncertain significance for TUBB1-related condition. Last evaluated: 2026-06-23. Review status: criteria provided, single submitter. Criteria: ACMG Guidelines, 2015. Collection method: clinical testing. Allele origin: germline.
Comment: The TUBB1 c.763G>A variant is predicted to result in the amino acid substitution p.Val255Met. To our knowledge, this variant has not been reported in the literature. This variant is reported in 0.00088% of alleles in individuals of European (Non-Finnish) descent in gnomAD. At this time, the clinical significance of this variant is uncertain due to the absence of conclusive functional and genetic evidence.

Labcorp Genetics (formerly Invitae), Labcorp
Classification: Uncertain significance. Last evaluated: 2025-08-18. Review status: criteria provided, single submitter. Criteria: Invitae Variant Classification Sherloc (09022015). Collection method: clinical testing. Allele origin: germline.
Comment: This sequence change replaces valine, which is neutral and non-polar, with methionine, which is neutral and non-polar, at codon 255 of the TUBB1 protein (p.Val255Met). This variant is present in population databases (no rsID available, gnomAD 0.0009%). This variant has not been reported in the literature in individuals affected with TUBB1-related conditions. ClinVar contains an entry for this variant (Variation ID: 2874847). Invitae Evidence Modeling of protein sequence and biophysical properties (such as structural, functional, and spatial information, amino acid conservation, physicochemical variation, residue mobility, and thermodynamic stability) has been performed for this missense variant. However, the output from this modeling did not meet the statistical confidence thresholds required to predict the impact of this variant on TUBB1 protein function. In summary, the available evidence is currently insufficient to determine the role of this variant in disease. Therefore, it has been classified as a Variant of Uncertain Significance.